The following is an entry in ClinVar:

ClinVar aggregate classification (germline): Uncertain significance (1 of 4 stars; one submission).

Submission:

Labcorp Genetics (formerly Invitae), Labcorp
Classification: Uncertain significance. Last evaluated: 2022-09-27. Review status: criteria provided, single submitter. Criteria: Invitae Variant Classification Sherloc (09022015). Collection method: clinical testing. Allele origin: germline.
Comment: This variant is not present in population databases (gnomAD no frequency). In summary, the available evidence is currently insufficient to determine the role of this variant in disease. Therefore, it has been classified as a Variant of Uncertain Significance. Algorithms developed to predict the effect of missense changes on protein structure and function are either unavailable or do not agree on the potential impact of this missense change (SIFT: "Not Available"; PolyPhen-2: "Probably Damaging"; Align-GVGD: "Not Available"). This variant has not been reported in the literature in individuals affected with POC5-related conditions. This sequence change replaces phenylalanine, which is neutral and non-polar, with cysteine, which is neutral and slightly polar, at codon 370 of the POC5 protein (p.Phe370Cys).

NM_001099271.2(POC5):c.1109T>G (p.Phe370Cys)

Gene: POC5 (POC5 centriolar protein; minus strand). Cytogenetic location: 5q13.3.
Variant type: single nucleotide variant.
Coding change: c.1109T>G on transcript NM_001099271.2 (MANE Select); coding-DNA position 1109, T replaced by G.
Protein change: p.Phe370Cys; replaces phenylalanine 370 with cysteine.
Molecular consequence: missense variant.
Genome position (GRCh38, 1-based): chr5:75,689,032, A>C on the plus strand (T>G on the coding strand, the complement: POC5 is on the minus strand). VCF-style: chr5-75689032-A-C. GRCh37 (hg19) VCF-style: chr5-74984857-A-C.
Other names: c.1034T>G, p.Phe345Cys (NM_152408.3); short protein forms F370C, F345C.
Identifiers: ClinVar variation 2065550 (VCV002065550.4), dbSNP rs2478817288, ClinGen allele CA360145342.